The following is an entry in ClinVar:

ClinVar aggregate classification (germline): Uncertain significance (1 of 4 stars; one submission).

Submission:

Labcorp Genetics (formerly Invitae), Labcorp
Classification: Uncertain significance. Last evaluated: 2025-08-25. Review status: criteria provided, single submitter. Criteria: Invitae Variant Classification Sherloc (09022015). Collection method: clinical testing. Allele origin: germline.
Comment: This sequence change replaces methionine, which is neutral and non-polar, with valine, which is neutral and non-polar, at codon 606 of the FAM111A protein (p.Met606Val). This variant is present in population databases (no rsID available, gnomAD 0.01%). This variant has not been reported in the literature in individuals affected with FAM111A-related conditions. An algorithm developed to predict the effect of missense changes on protein structure and function outputs the following: PolyPhen-2: "Benign". The valine amino acid residue is found in multiple mammalian species, which suggests that this missense change does not adversely affect protein function. Algorithms developed to predict the effect of sequence changes on RNA splicing suggest that this variant may create or strengthen a splice site. In summary, the available evidence is currently insufficient to determine the role of this variant in disease. Therefore, it has been classified as a Variant of Uncertain Significance.

NM_001312909.2(FAM111A):c.1816A>G (p.Met606Val)

Gene: FAM111A (FAM111 trypsin like peptidase A; plus strand). Cytogenetic location: 11q12.1.
Variant type: single nucleotide variant.
Coding change: c.1816A>G on transcript NM_001312909.2 (MANE Select); coding-DNA position 1816, A replaced by G.
Protein change: p.Met606Val; replaces methionine 606 with valine.
Molecular consequence: missense variant.
Genome position (GRCh38, 1-based): chr11:59,153,484, A>G. VCF-style: chr11-59153484-A-G. GRCh37 (hg19) VCF-style: chr11-58920957-A-G.
Other names: c.1816A>G, p.Met606Val (NM_001374869.1, NM_001374870.1, NM_022074.4 and 29 more transcripts); short protein forms M606V.
Identifiers: ClinVar variation 4763882 (VCV004763882.1).
Genomic context (GRCh38, chr11:59,153,484, plus strand): 5'-AAGCAAAGACATAAACCATGGTATGAAGAAGTATTTGTAAATCAGCAGGATGTAGAAATG[A>G]TGAGTGATGAGGACTTGTGAGAATTCAGTCTACTGGATTTAAGGGAATGGCTTATGGAGT-3'
Protein context (NP_001299838.1, residues 596-611): VFVNQQDVEM[Met606Val]SDEDL